The following is an entry in ClinVar:

ClinVar aggregate classification (germline): Pathogenic (1 of 4 stars; one submission).

Submission:

Labcorp Genetics (formerly Invitae), Labcorp
Classification: Pathogenic. Last evaluated: 2023-12-21. Review status: criteria provided, single submitter. Criteria: Invitae Variant Classification Sherloc (09022015). Collection method: clinical testing. Allele origin: unknown.
Comment: This variant is a gross deletion of the genomic region encompassing exon(s) 1-2 of the LPL gene, which includes the initiator codon. This deletion extends beyond the assayed region for this gene and therefore may encompass additional genes. It is expected to result in an absent or disrupted protein product. Loss-of-function variants in LPL are known to be pathogenic (PMID: 11334614). A similar copy number variant has been observed in individual(s) with hypertriglyceridemia (PMID: 31519763). For these reasons, this variant has been classified as Pathogenic.

Literature cited by the submitters: PubMed 11334614; PubMed 31519763.

NC_000008.10:g.(?_19796952)_(19805871_?)del

Gene: LPL (lipoprotein lipase; plus strand). Cytogenetic location: 8p21.3.
Variant type: Deletion.
Identifiers: ClinVar variation 3245550 (VCV003245550.1).